The following is an entry in ClinVar:

ClinVar aggregate classification (germline): Uncertain significance (1 of 4 stars; one submission).

Allele frequency attached by ClinVar (database versions not stated): ExAC 0.00002; gnomAD 0.00002; gnomAD exomes 0.00003.
gnomAD v4.1: 12 of 1,209,544 alleles (0.00099%); highest among the groups gnomAD compares: East Asian, 0.0059%; no homozygotes.

Submission:

GeneDx
Classification: Uncertain significance. Last evaluated: 2022-05-31. Review status: criteria provided, single submitter. Criteria: GeneDx Variant Classification Process June 2021. Collection method: clinical testing. Allele origin: germline. Affected: yes.
Comment: In silico analysis supports that this missense variant has a deleterious effect on protein structure/function; Has not been previously published as pathogenic or benign to our knowledge

NM_181332.3(NLGN4X):c.2321T>C (p.Met774Thr)

Gene: NLGN4X (neuroligin 4 X-linked; minus strand). Cytogenetic location: Xp22.32.
Variant type: single nucleotide variant.
Coding change: c.2321T>C on transcript NM_181332.3 (MANE Select); coding-DNA position 2321, T replaced by C.
Protein change: p.Met774Thr; replaces methionine 774 with threonine.
Molecular consequence: missense variant.
Genome position (GRCh38, 1-based): chrX:5,892,947, A>G on the plus strand (T>C on the coding strand, the complement: NLGN4X is on the minus strand). VCF-style: chrX-5892947-A-G. GRCh37 (hg19) VCF-style: chrX-5810988-A-G.
Other names: c.2321T>C, p.Met774Thr (NM_001282145.2, NM_001282146.2, NM_020742.4); short protein forms M774T.
Identifiers: ClinVar variation 1691180 (VCV001691180.2), dbSNP rs768321834, ClinGen allele CA10340896.
Genomic context (GRCh38, chrX:5,892,947, plus strand): 5'-GTGTGCAAAGGCTGCATCCCCGTCAGTGTGTTTGGAATCATGGTGATGGTGTTTGGCGTC[A>G]TAAGTGGGATGTCATCTGGCGACCGGCGCAGCGTGAGGGTGTAGTCTGGCGGGCAGGTGA-3'
Protein context (NP_851849.1, residues 764-784): LRRSPDDIPL[Met774Thr]TPNTITMIPN